The following is an entry in ClinVar:

NM_006005.3(WFS1):c.1499A>G (p.Asn500Ser)

Gene: WFS1 (wolframin ER transmembrane glycoprotein; plus strand). Cytogenetic location: 4p16.1.
Variant type: single nucleotide variant.
Coding change: c.1499A>G on transcript NM_006005.3 (MANE Select); coding-DNA position 1499, A replaced by G.
Protein change: p.Asn500Ser; replaces asparagine 500 with serine.
Molecular consequence: missense variant.
Genome position (GRCh38, 1-based): chr4:6,301,294, A>G. VCF-style: chr4-6301294-A-G. GRCh37 (hg19) VCF-style: chr4-6303021-A-G.
Other names: c.1499A>G, p.Asn500Ser (NM_001145853.1); short protein forms N500S.
Identifiers: ClinVar variation 3370533 (VCV003370533.3).
Genomic context (GRCh38, chr4:6,301,294, plus strand): 5'-ACCTGAAGGTCCTTGGCCAGACCTTCATCACCGTGCCTGTCGGCCACCTGGTCGTCCTCA[A>G]CGTCAGCGTCCCGTGCCTGCTCTATGTCTACCTGCTCTATCTCTTCTTCCGCATGGCACA-3'
Protein context (NP_005996.2, residues 490-510): TVPVGHLVVL[Asn500Ser]VSVPCLLYVY

ClinVar aggregate classification (germline): Uncertain significance. Review status: criteria provided, multiple submitters, no conflicts (2 of 4 stars). 2 submissions from 2 submitters: Uncertain significance (2). Last evaluated 2024-11-20.

Conditions:
Type 2 diabetes mellitus. Also called: Type II diabetes mellitus. Identifiers: MedGen C0011860, MeSH D003924, MONDO:0005148, OMIM 125853, HP:0005978.

gnomAD v4.1: 49 of 1,611,438 alleles (0.003%); highest among the groups gnomAD compares: Non-Finnish European, 0.0041%; no homozygotes.

Submissions (2):

GeneDx
Classification: Uncertain significance. Last evaluated: 2024-11-20. Review status: criteria provided, single submitter. Criteria: GeneDx Variant Classification Process June 2021. Collection method: clinical testing. Allele origin: germline. Affected: yes.
Comment: Has not been previously published as pathogenic or benign to our knowledge; In silico analysis indicates that this missense variant does not alter protein structure/function

Neuberg Centre For Genomic Medicine, NCGM
Classification: Uncertain significance for Type 2 diabetes mellitus. Review status: criteria provided, single submitter. Criteria: ACMG Guidelines, 2015. Collection method: clinical testing. Allele origin: germline. Inheritance: Autosomal dominant inheritance. Affected: yes.
Comment: The missense variant c.1499A>G p.Asn500Ser in the WFS1 gene which is located in a mutational hot spot has not been reported previously as a pathogenic variant nor as a benign variant, to our knowledge. This variant is reported with the allele frequency 0.002% in the gnomAD Exomes. The amino acid Asn at position 500 is changed to a Ser changing protein sequence and it might alter its composition and physico-chemical properties. Computational evidence Polyphen, SIFT and MutationTaster predicts conflicting evidence on protein structure and function for this variant. The amino acid change p.Asn500Ser in WFS1 is predicted as conserved by GERP++ and PhyloP across 100 vertebrates. For these reasons, this variant has been classified as Uncertain Significance.